The following is an entry in ClinVar:

ClinVar aggregate classification (germline): Uncertain significance (1 of 4 stars; one submission).

Conditions:
Hypertrophic cardiomyopathy. Also called: HYPERTROPHIC MYOCARDIOPATHY. Identifiers: Orphanet 217569, MedGen C0007194, MeSH D002312, MONDO:0005045, HP:0001639.

Allele frequency attached by ClinVar (database versions not stated): gnomAD exomes below 0.00001.
gnomAD v4.1: 2 of 1,586,782 alleles (0.00013%); highest among the groups gnomAD compares: Non-Finnish European, 0.00017%; no homozygotes.

Submission:

Labcorp Genetics (formerly Invitae), Labcorp
Classification: Uncertain significance for Hypertrophic cardiomyopathy. Last evaluated: 2022-05-11. Review status: criteria provided, single submitter. Criteria: Invitae Variant Classification Sherloc (09022015). Collection method: clinical testing. Allele origin: germline.
Comment: Algorithms developed to predict the effect of missense changes on protein structure and function are either unavailable or do not agree on the potential impact of this missense change (SIFT: "Deleterious"; PolyPhen-2: "Probably Damaging"; Align-GVGD: "Class C15"). In summary, the available evidence is currently insufficient to determine the role of this variant in disease. Therefore, it has been classified as a Variant of Uncertain Significance. This variant has not been reported in the literature in individuals affected with MYBPC3-related conditions. This variant is not present in population databases (gnomAD no frequency). This sequence change replaces phenylalanine, which is neutral and non-polar, with leucine, which is neutral and non-polar, at codon 12 of the MYBPC3 protein (p.Phe12Leu).

NM_000256.3(MYBPC3):c.34T>C (p.Phe12Leu)

Gene: MYBPC3 (myosin binding protein C3; minus strand). Cytogenetic location: 11p11.2.
Variant type: single nucleotide variant.
Coding change: c.34T>C on transcript NM_000256.3 (MANE Select); coding-DNA position 34, T replaced by C.
Protein change: p.Phe12Leu; replaces phenylalanine 12 with leucine.
Molecular consequence: missense variant.
Genome position (GRCh38, 1-based): chr11:47,351,497, A>G on the plus strand (T>C on the coding strand, the complement: MYBPC3 is on the minus strand). VCF-style: chr11-47351497-A-G. GRCh37 (hg19) VCF-style: chr11-47373048-A-G.
Other names: short protein forms F12L.
Identifiers: ClinVar variation 2069904 (VCV002069904.4), dbSNP rs2495786749, ClinGen allele CA380342061.